The following is an entry in ClinVar:

NC_000006.11:g.(?_65300096)_(66205886_?)del

Gene: EYS (eyes shut homolog; minus strand). Cytogenetic location: 6q12.
Variant type: Deletion.
Identifiers: ClinVar variation 3246117 (VCV003246117.1).

ClinVar aggregate classification (germline): Pathogenic (1 of 4 stars; one submission).

Submission:

Labcorp Genetics (formerly Invitae), Labcorp
Classification: Pathogenic. Last evaluated: 2022-07-07. Review status: criteria provided, single submitter. Criteria: Invitae Variant Classification Sherloc (09022015). Collection method: clinical testing. Allele origin: unknown.
Comment: This variant has not been reported in the literature in individuals affected with EYS-related conditions. For these reasons, this variant has been classified as Pathogenic. This variant is a gross deletion of the genomic region encompassing exon(s) 3-26 of the EYS gene, which includes the initiator codon. This deletion extends beyond the assayed region for this gene and therefore may encompass additional genes. It is expected to result in an absent or disrupted protein product. Loss-of-function variants in EYS are known to be pathogenic (PMID: 18836446, 20333770).

Literature cited by the submitters: PubMed 18836446; PubMed 20333770.